The following is an entry in ClinVar:

NM_001367624.2(ZNF469):c.11633G>A (p.Arg3878Gln)

Gene: ZNF469 (zinc finger protein 469; plus strand). Cytogenetic location: 16q24.2.
Variant type: single nucleotide variant.
Coding change: c.11633G>A on transcript NM_001367624.2 (MANE Select); coding-DNA position 11633, G replaced by A.
Protein change: p.Arg3878Gln; replaces arginine 3878 with glutamine.
Molecular consequence: missense variant.
Genome position (GRCh38, 1-based): chr16:88,439,103, G>A. VCF-style: chr16-88439103-G-A. GRCh37 (hg19) VCF-style: chr16-88505511-G-A.
Other names: NM_001127464.1:c.11549G>A; p.Arg3878Gln; short protein forms R3878Q.
Identifiers: ClinVar variation 1211506 (VCV001211506.11), dbSNP rs531617542, ClinGen allele CA8225631.

ClinVar aggregate classification (germline): Conflicting classifications of pathogenicity. Review status: criteria provided, conflicting classifications (1 of 4 stars). 4 submissions from 4 submitters: Uncertain significance (3); Benign (1). Last evaluated 2025-06-05.

Conditions:
Cardiovascular phenotype. Identifiers: MedGen CN230736.

Allele frequency attached by ClinVar (database versions not stated): gnomAD exomes 0.00004 and 0.00008; ExAC 0.00005; 1000 Genomes Project 30x 0.00016; TOPMed 0.00007; gnomAD 0.00006; 1000 Genomes Project 0.00020.
gnomAD v4.1: 60 of 1,550,960 alleles (0.0039%); highest among the groups gnomAD compares: Admixed American, 0.02%; no homozygotes.

Submissions (4):

Mayo Clinic Laboratories, Mayo Clinic
Classification: Uncertain significance. Last evaluated: 2025-06-05. Review status: criteria provided, single submitter. Criteria: ACMG Guidelines, 2015. Collection method: clinical testing. Allele origin: germline. Observed: 1 variant allele.
Comment: BP4_moderate

Ambry Genetics
Classification: Benign for Cardiovascular phenotype. Last evaluated: 2025-05-03. Review status: criteria provided, single submitter. Criteria: Ambry Variant Classification Scheme 2023. Collection method: clinical testing. Allele origin: germline.

Labcorp Genetics (formerly Invitae), Labcorp
Classification: Uncertain significance. Last evaluated: 2024-07-25. Review status: criteria provided, single submitter. Criteria: Invitae Variant Classification Sherloc (09022015). Collection method: clinical testing. Allele origin: germline.
Comment: This sequence change replaces arginine, which is basic and polar, with glutamine, which is neutral and polar, at codon 3850 of the ZNF469 protein (p.Arg3850Gln). This variant is present in population databases (rs531617542, gnomAD 0.03%). This variant has not been reported in the literature in individuals affected with ZNF469-related conditions. ClinVar contains an entry for this variant (Variation ID: 1211506). An algorithm developed to predict the effect of missense changes on protein structure and function outputs the following: PolyPhen-2: "Benign". The glutamine amino acid residue is found in multiple mammalian species, which suggests that this missense change does not adversely affect protein function. In summary, the available evidence is currently insufficient to determine the role of this variant in disease. Therefore, it has been classified as a Variant of Uncertain Significance.

GeneDx
Classification: Uncertain significance. Last evaluated: 2023-09-06. Review status: criteria provided, single submitter. Criteria: GeneDx Variant Classification Process June 2021. Collection method: clinical testing. Allele origin: germline. Affected: yes.
Comment: Has not been previously published as pathogenic or benign to our knowledge; In silico analysis supports that this missense variant does not alter protein structure/function